The following is an entry in ClinVar:

NM_003072.5(SMARCA4):c.1958del (p.Pro653fs)

Gene: SMARCA4 (SWI/SNF related BAF chromatin remodeling complex subunit ATPase 4; plus strand). Cytogenetic location: 19p13.2.
Variant type: Deletion.
Coding change: c.1958del on transcript NM_003072.5 (MANE Select); coding-DNA position 1958, one base deleted (C; older notation c.1958delC).
Protein change: p.Pro653fs; shifts the reading frame from proline 653.
Molecular consequence: frameshift variant. On other transcripts: non-coding transcript variant (1).
Genome position (GRCh38, 1-based): chr19:11,003,354, C deleted; the last of 2 consecutive C bases (chr19:11,003,353-11,003,354); deleting either gives the same sequence. VCF-style (leftmost placement, unchanged base first): chr19-11003352-TC-T. GRCh37 (hg19) VCF-style: chr19-11114028-TC-T.
Other names: c.1958del, p.Pro653fs (NM_001128849.3, NM_001374457.1, NM_001387283.1 and 6 more transcripts); short protein forms P653fs.
Identifiers: ClinVar variation 2866142 (VCV002866142.3), dbSNP rs2514466071, ClinGen allele CA2739276438.

ClinVar aggregate classification (germline): Pathogenic (1 of 4 stars; one submission).

Conditions:
Rhabdoid tumor predisposition syndrome 2 (RTPS2). Identifiers: Orphanet 231108, Orphanet 69077, MedGen C2750074, MONDO:0013224, OMIM 613325.

Submission:

Labcorp Genetics (formerly Invitae), Labcorp
Classification: Pathogenic for Rhabdoid tumor predisposition syndrome 2. Last evaluated: 2023-05-20. Review status: criteria provided, single submitter. Criteria: Invitae Variant Classification Sherloc (09022015). Collection method: clinical testing. Allele origin: germline.
Comment: This sequence change creates a premature translational stop signal (p.Pro653Argfs*121) in the SMARCA4 gene. It is expected to result in an absent or disrupted protein product. Loss-of-function variants in SMARCA4 are known to be pathogenic (PMID: 24658001, 24658002). This variant is not present in population databases (gnomAD no frequency). This variant has not been reported in the literature in individuals affected with SMARCA4-related conditions. For these reasons, this variant has been classified as Pathogenic.

Literature cited by the submitters: PubMed 24658001; PubMed 24658002.